The following is an entry in ClinVar:

ClinVar aggregate classification (germline): Conflicting classifications of pathogenicity. Review status: criteria provided, conflicting classifications (1 of 4 stars). 2 submissions from 2 submitters: Uncertain significance (1); Likely benign (1). Last evaluated 2025-10-01.

Allele frequency attached by ClinVar (database versions not stated): ESP Exome Variant Server 0.00031; gnomAD 0.00032; TOPMed 0.00037; gnomAD exomes 0.00047.
gnomAD v4.1: 723 of 1,613,798 alleles (0.045%); highest among the groups gnomAD compares: Admixed American, 0.068%; 1 homozygote.

Submissions (2):

CeGaT Center for Human Genetics Tuebingen
Classification: Likely benign. Last evaluated: 2025-10-01. Review status: criteria provided, single submitter. Criteria: CeGaT Center For Human Genetics Tuebingen Variant Classification Criteria Version 2. Collection method: clinical testing. Allele origin: germline. Affected: yes. Observed: 1 variant allele.
Comment: PDCD6IP: BS2

Ambry Genetics
Classification: Uncertain significance. Last evaluated: 2024-10-08. Review status: criteria provided, single submitter. Criteria: Ambry Variant Classification Scheme 2023. Collection method: clinical testing. Allele origin: germline.

NM_013374.6(PDCD6IP):c.2155G>A (p.Ala719Thr)

Gene: PDCD6IP (programmed cell death 6 interacting protein; plus strand). Cytogenetic location: 3p22.3.
Variant type: single nucleotide variant.
Coding change: c.2155G>A on transcript NM_013374.6 (MANE Select); coding-DNA position 2155, G replaced by A.
Protein change: p.Ala719Thr; replaces alanine 719 with threonine.
Molecular consequence: missense variant.
Genome position (GRCh38, 1-based): chr3:33,864,040, G>A. VCF-style: chr3-33864040-G-A. GRCh37 (hg19) VCF-style: chr3-33905532-G-A.
Other names: c.2170G>A, p.Ala724Thr (NM_001162429.3); short protein forms A724T, A719T.
Identifiers: ClinVar variation 2357403 (VCV002357403.9), dbSNP rs62620697, ClinGen allele CA2303984.